The following is an entry in ClinVar:

ClinVar aggregate classification (germline): Benign/Likely benign. Review status: criteria provided, multiple submitters, no conflicts (2 of 4 stars). 4 submissions from 4 submitters: Benign (1); Likely benign (3). Last evaluated 2026-06-03.

Conditions:
Hereditary cancer-predisposing syndrome. Also called: Neoplastic Syndromes, Hereditary; Hereditary Cancer Syndrome; Hereditary neoplastic syndrome; Tumor predisposition. Identifiers: Orphanet 140162, MedGen C0027672, MeSH D009386, MONDO:0015356.
Gastrointestinal stromal tumor. Also called: Gastrointestinal stroma tumor; Gastrointestinal stromal tumor, somatic. Identifiers: Orphanet 44890, MedGen C0238198, MeSH D046152, MONDO:0011719, OMIM 606764, HP:0100723.

Allele frequency attached by ClinVar (database versions not stated): ExAC 0.00001; gnomAD exomes 0.00001; TOPMed 0.00001; gnomAD 0.00002.
gnomAD v4.1: 24 of 1,613,396 alleles (0.0015%); highest among the groups gnomAD compares: African/African-American, 0.004%; no homozygotes.

Submissions (4):

Myriad Genetics, Inc.
Classification: Benign for Gastrointestinal stromal tumor. Last evaluated: 2026-06-03. Review status: criteria provided, single submitter. Criteria: Myriad Autosomal Dominant, Autosomal Recessive and X-Linked Classification Criteria (2023). Collection method: clinical testing. Allele origin: unknown.
Comment: This variant is considered benign. This variant is a silent/synonymous amino acid change and it is not expected to impact splicing.

Labcorp Genetics (formerly Invitae), Labcorp
Classification: Likely benign for Gastrointestinal stromal tumor. Last evaluated: 2025-11-24. Review status: criteria provided, single submitter. Criteria: Invitae Variant Classification Sherloc (09022015). Collection method: clinical testing. Allele origin: germline.

Ambry Genetics
Classification: Likely benign for Hereditary cancer-predisposing syndrome. Last evaluated: 2022-03-19. Review status: criteria provided, single submitter. Criteria: Ambry Variant Classification Scheme 2023. Collection method: clinical testing. Allele origin: germline.

Sema4
Classification: Likely benign for Hereditary cancer-predisposing syndrome. Last evaluated: 2020-10-12. Review status: criteria provided, single submitter. Criteria: Sema4 Curation Guidelines. Collection method: curation. Allele origin: germline.

NM_000222.3(KIT):c.822G>A (p.Thr274=)

Gene: KIT (KIT proto-oncogene, receptor tyrosine kinase; plus strand). Cytogenetic location: 4q12.
Variant type: single nucleotide variant.
Coding change: c.822G>A on transcript NM_000222.3 (MANE Select); coding-DNA position 822, G replaced by A.
Protein change: p.Thr274=; no amino-acid change (threonine 274 retained).
Molecular consequence: synonymous variant.
Genome position (GRCh38, 1-based): chr4:54,703,789, G>A. VCF-style: chr4-54703789-G-A. GRCh37 (hg19) VCF-style: chr4-55569955-G-A.
Other names: c.822G>A, p.Thr274= (NM_001093772.2, NM_001385285.1, NM_001385286.1); c.825G>A, p.Thr275= (NM_001385284.1, NM_001385288.1, NM_001385290.1 and 1 more transcripts).
Identifiers: ClinVar variation 415799 (VCV000415799.16), dbSNP rs747288547, ClinGen allele CA2923324.
Genomic context (GRCh38, chr4:54,703,789, plus strand): 5'-ACTACAGGAGAAATATAATAGCTGGCATCACGGTGACTTCAATTATGAACGTCAGGCAAC[G>A]TTGACTATCAGTTCAGCGAGAGTTAATGATTCTGGAGTGTTCATGTGTTATGCCAATAAT-3'
Protein context (NP_000213.1, residues 264-284): HGDFNYERQA[Thr274=]LTISSARVND